The following is an entry in ClinVar:

ClinVar aggregate classification (germline): Uncertain significance (1 of 4 stars; one submission).

Conditions:
Familial cancer of breast. Also called: BREAST CANCER, FAMILIAL; Hereditary breast cancer; hereditary breast carcinoma. Identifiers: Orphanet 227535, MedGen C0346153, MONDO:0016419, OMIM 114480. Disease mechanism: loss of function.

Submission:

Labcorp Genetics (formerly Invitae), Labcorp
Classification: Uncertain significance for Familial cancer of breast. Last evaluated: 2022-02-25. Review status: criteria provided, single submitter. Criteria: Invitae Variant Classification Sherloc (09022015). Collection method: clinical testing. Allele origin: germline.
Comment: In summary, the available evidence is currently insufficient to determine the role of this variant in disease. Therefore, it has been classified as a Variant of Uncertain Significance. Algorithms developed to predict the effect of missense changes on protein structure and function are either unavailable or do not agree on the potential impact of this missense change (SIFT: "Tolerated"; PolyPhen-2: "Probably Damaging"; Align-GVGD: "Class C0"). This variant has not been reported in the literature in individuals affected with BARD1-related conditions. This variant is not present in population databases (gnomAD no frequency). This sequence change replaces lysine, which is basic and polar, with arginine, which is basic and polar, at codon 619 of the BARD1 protein (p.Lys619Arg).

NM_000465.4(BARD1):c.1856A>G (p.Lys619Arg)

Gene: BARD1 (BRCA1 associated RING domain 1; minus strand). Cytogenetic location: 2q35.
Variant type: single nucleotide variant.
Coding change: c.1856A>G on transcript NM_000465.4 (MANE Select); coding-DNA position 1856, A replaced by G.
Protein change: p.Lys619Arg; replaces lysine 619 with arginine.
Molecular consequence: missense variant. On other transcripts: non-coding transcript variant (3), intron variant (1).
Genome position (GRCh38, 1-based): chr2:214,745,114, T>C on the plus strand (A>G on the coding strand, the complement: BARD1 is on the minus strand). VCF-style: chr2-214745114-T-C. GRCh37 (hg19) VCF-style: chr2-215609838-T-C.
Other names: c.1799A>G, p.Lys600Arg (NM_001282543.2); c.503A>G, p.Lys168Arg (NM_001282545.2); c.446A>G, p.Lys149Arg (NM_001282548.2); c.365-14606A>G (NM_001282549.2); short protein forms K168R, K600R, K149R, K619R.
Identifiers: ClinVar variation 1432400 (VCV001432400.7), dbSNP rs1574737320, ClinGen allele CA350452183.